The following is an entry in ClinVar:

NM_001267550.2(TTN):c.103076G>C (p.Ser34359Thr)

Genes: TTN (titin; minus strand), TTN-AS1 (TTN antisense RNA 1; plus strand). Cytogenetic location: 2q31.2.
Variant type: single nucleotide variant.
Coding change: c.103076G>C on transcript NM_001267550.2 (MANE Select); coding-DNA position 103076, G replaced by C.
Protein change: p.Ser34359Thr; replaces serine 34359 with threonine.
Molecular consequence: missense variant.
Genome position (GRCh38, 1-based): chr2:178,533,539, C>G on the plus strand (G>C on the coding strand, the complement: TTN is on the minus strand). VCF-style: chr2-178533539-C-G. GRCh37 (hg19) VCF-style: chr2-179398266-C-G.
Other names: c.98153G>C, p.Ser32718Thr (NM_001256850.1); c.75881G>C, p.Ser25294Thr (NM_003319.4); c.95372G>C, p.Ser31791Thr (NM_133378.4); c.76256G>C, p.Ser25419Thr (NM_133432.3); c.76457G>C, p.Ser25486Thr (NM_133437.4); short protein forms S25419T, S25486T, S32718T, S34359T, S25294T, S31791T.
Identifiers: ClinVar variation 1901962 (VCV001901962.5), dbSNP rs1168459332, ClinGen allele CA349415272.
Genomic context (GRCh38, chr2:178,533,539, plus strand): 5'-CTTTGGCCTTCTTGGCATTCTGCATTTGCCAGTAACCTTTTGAACATGGGTCTTAAGGTA[C>G]TATCTGTTGGAGGTGGGTGTAGGGTTACTGTCAGCTTTGCTTTACAGCTGTCTTCACCAT-3'
Protein context (NP_001254479.2, residues 34349-34369): TVTLHPPPTD[Ser34359Thr]TLRPMFKRLL

ClinVar aggregate classification (germline): Uncertain significance (1 of 4 stars; one submission).

Conditions:
Dilated cardiomyopathy 1G (CMD1G). Identifiers: Orphanet 154, MedGen C1858763, MONDO:0011400, OMIM 604145.
Autosomal recessive limb-girdle muscular dystrophy type 2J (LGMDR10). Also called: Limb-girdle muscular dystrophy, type 2J; MUSCULAR DYSTROPHY, LIMB-GIRDLE, AUTOSOMAL RECESSIVE 10. Identifiers: Orphanet 140922, MedGen C1837342, MONDO:0012127, OMIM 608807.

Allele frequency attached by ClinVar (database versions not stated): TOPMed below 0.00001.
gnomAD v4.1: 1 of 1,613,800 alleles (0.000062%); no homozygotes.

Submission:

Labcorp Genetics (formerly Invitae), Labcorp
Classification: Uncertain significance for Dilated cardiomyopathy 1G; Autosomal recessive limb-girdle muscular dystrophy type 2J. Last evaluated: 2022-09-27. Review status: criteria provided, single submitter. Criteria: Invitae Variant Classification Sherloc (09022015). Collection method: clinical testing. Allele origin: germline.
Comment: This sequence change replaces serine, which is neutral and polar, with threonine, which is neutral and polar, at codon 34359 of the TTN protein (p.Ser34359Thr). This variant is not present in population databases (gnomAD no frequency). This variant has not been reported in the literature in individuals affected with TTN-related conditions. Algorithms developed to predict the effect of missense changes on protein structure and function output the following: SIFT: "Not Available"; PolyPhen-2: "Not Available"; Align-GVGD: "Not Available". The threonine amino acid residue is found in multiple mammalian species, which suggests that this missense change does not adversely affect protein function. This variant is located in the M band of TTN (PMID: 25589632). Variants in this region may be relevant for neuromuscular disorders, but have not been definitively shown to cause cardiomyopathy (PMID: 23975875). In summary, the available evidence is currently insufficient to determine the role of this variant in disease. Therefore, it has been classified as a Variant of Uncertain Significance.

Literature cited by the submitters: PubMed 25589632; PubMed 23975875.